The following is an entry in ClinVar:

NM_001083116.3(PRF1):c.1628dup (p.Glu545fs)

Gene: PRF1 (perforin 1; minus strand). Cytogenetic location: 10q22.1.
Variant type: Duplication.
Coding change: c.1628dup on transcript NM_001083116.3 (MANE Select); coding-DNA position 1628, one base duplicated (T; older notation c.1628dupT).
Protein change: p.Glu545fs; shifts the reading frame from glutamic acid 545.
Molecular consequence: frameshift variant.
Genome position (GRCh38, 1-based): chr10:70,598,093, A duplicated on the plus strand (T on the coding strand, the reverse complement: PRF1 is on the minus strand). VCF-style (leftmost placement, unchanged base first): chr10-70598092-C-CA. GRCh37 (hg19) VCF-style: chr10-72357848-C-CA.
Other names: c.1628dup, p.Glu545fs (NM_005041.6); short protein forms E545fs.
Identifiers: ClinVar variation 1020734 (VCV001020734.7), dbSNP rs1564723449, ClinGen allele CA594704934.

ClinVar aggregate classification (germline): Conflicting classifications of pathogenicity. Review status: criteria provided, conflicting classifications (1 of 4 stars). 4 submissions from 4 submitters: Likely pathogenic (3); Uncertain significance (1). Last evaluated 2024-10-28.

Conditions:
Familial hemophagocytic lymphohistiocytosis (FHL). Also called: Familial erythrophagocytic lymphohistiocytosis; Familial histiocytic reticulosis; Hereditary hemophagocytic lymphohistiocytosis. Identifiers: Orphanet 158038, Orphanet 540, MedGen C0272199, MONDO:0015541.
Aplastic anemia. Identifiers: Orphanet 182040, Orphanet 88, MedGen C0002874, MONDO:0015909, OMIM 609135, HP:0001915.
Familial hemophagocytic lymphohistiocytosis 2 (FHL2). Also called: PRF1-Related Familial Hemophagocytic Lymphohistiocytosis (PRF1-fHLH). Identifiers: Orphanet 540, MedGen C1863727, MONDO:0011337, OMIM 603553.
Lymphoma, non-Hodgkin, familial. Identifiers: MedGen C4721532, MONDO:0011508, OMIM 605027.

Allele frequency attached by ClinVar (database versions not stated): gnomAD exomes below 0.00001 and 0.00002; TOPMed 0.00001; gnomAD 0.00004.

Submissions (4):

Labcorp Genetics (formerly Invitae), Labcorp
Classification: Uncertain significance for Familial hemophagocytic lymphohistiocytosis 2. Last evaluated: 2024-10-28. Review status: criteria provided, single submitter. Criteria: Invitae Variant Classification Sherloc (09022015). Collection method: clinical testing. Allele origin: germline.
Comment: This sequence change results in a frameshift in the PRF1 gene (p.Glu545Glyfs*41). While this is not anticipated to result in nonsense mediated decay, it is expected to disrupt the last 11 amino acid(s) of the PRF1 protein and extend the protein by 29 additional amino acid residues. This variant is present in population databases (no rsID available, gnomAD 0.01%). This frameshift has been observed in individual(s) with hemophagocytic lymphohistiocytosis (PMID: 14757862). ClinVar contains an entry for this variant (Variation ID: 1020734). Experimental studies and prediction algorithms are not available or were not evaluated, and the functional significance of this variant is currently unknown. In summary, the available evidence is currently insufficient to determine the role of this variant in disease. Therefore, it has been classified as a Variant of Uncertain Significance.

Fulgent Genetics
Classification: Likely pathogenic for Familial hemophagocytic lymphohistiocytosis 2; Lymphoma, non-Hodgkin, familial; Aplastic anemia. Last evaluated: 2024-03-19. Review status: criteria provided, single submitter. Criteria: ACMG Guidelines, 2015. Collection method: clinical testing. Allele origin: germline.

Baylor Genetics
Classification: Likely pathogenic for Aplastic anemia. Last evaluated: 2024-03-09. Review status: criteria provided, single submitter. Criteria: ACMG Guidelines, 2015. Collection method: clinical testing. Allele origin: unknown.

Women's Health and Genetics/Laboratory Corporation of America, LabCorp
Classification: Likely pathogenic for Familial hemophagocytic lymphohistiocytosis. Last evaluated: 2022-05-13. Review status: criteria provided, single submitter. Criteria: LabCorp Variant Classification Summary - May 2015. Collection method: clinical testing. Allele origin: germline.
Comment: Variant summary: PRF1 c.1628dupT (p.Glu545GlyfsX41) causes a frameshift which results in an extension of the protein. As activation of Perforin occurs by cleavage of a stretch of 20 amino acid residues at the carboxyterminal end, an extension of additional amino acid residues to the C-terminus may impair this cleavage and subsequent activation of Perforin, or may shorten the half life of the mutated protein (Uellner_1997 cited in Molleran Lee_2004). The variant allele was found at a frequency of 4e-06 in 251324 control chromosomes. c.1628dupT has been reported in the literature as 1628insT in at-least one compound heterozygous individual affected with Familial Hemophagocytic Lymphohistiocytosis (example. Molleran Lee_2004). These data do not allow any conclusion about variant significance. To our knowledge, no experimental evidence demonstrating an impact on protein function has been reported. One clinical diagnostic laboratory has submitted clinical-significance assessments for this variant to ClinVar after 2014 without evidence for independent evaluation and classified the variant as uncertain significance. Based on the evidence outlined above, the variant was classified as likely pathogenic.

Literature cited by the submitters: PubMed 14757862 (cited by Labcorp Genetics (formerly Invitae), Labcorp and Women's Health and Genetics/Laboratory Corporation of America, LabCorp).